The following is an entry in ClinVar:

NM_001009944.3(PKD1):c.9240_9241del (p.Ala3082fs)

Gene: PKD1 (polycystin 1, transient receptor potential channel interacting; minus strand). Cytogenetic location: 16p13.3.
Variant type: Deletion.
Coding change: c.9240_9241del on transcript NM_001009944.3 (MANE Select); coding-DNA positions 9240 to 9241, 2 bases deleted (AT; older notation c.9240_9241delAT).
Protein change: p.Ala3082fs; shifts the reading frame from alanine 3082.
Molecular consequence: frameshift variant.
Genome position (GRCh38, 1-based): chr16:2,102,217-2,102,218, AT deleted on the plus strand (AT on the coding strand, the reverse complement: PKD1 is on the minus strand). VCF-style (leftmost placement, unchanged base first): chr16-2102216-CAT-C. GRCh37 (hg19) VCF-style: chr16-2152217-CAT-C.
Other names: p.Ala3082Cysfs*96; c.9240_9241del, p.Ala3082fs (NM_000296.4); c.9240_9241delAT (NM_001009944.2, NM_001009944.3); short protein forms A3082fs.
Identifiers: ClinVar variation 562246 (VCV000562246.17), dbSNP rs1567173924, ClinGen allele CA658824483.
Genomic context (GRCh38, chr16:2,102,216, plus strand): 5'-AACTGGTCCAGCTTGTGCAGGATGGCGGCCATGACCATGTAGGTCACCAGGCACACAGCA[CAT>C]GTCAGCATGACGATGTAGTTTACATCCGCTGTCGGCTCCTGTGAGGACACAGCCGCCGGG-3'

ClinVar aggregate classification (germline): Pathogenic. Review status: criteria provided, multiple submitters, no conflicts (2 of 4 stars). 12 submissions from 12 submitters: Pathogenic (10). 2 of the submissions do not count toward it. Last evaluated 2026-07-23.

Conditions:
PKD1-related disorder. Also called: PKD1-related condition.
Polycystic kidney disease, adult type (PKD1). Also called: Polycystic Kidney Disease 1, Autosomal Dominant; Polycystic kidney disease 1; Polycystic kidney disease 1, severe; Polycystic Kidney, Autosomal Dominant; POLYCYSTIC KIDNEY DISEASE 1 WITH OR WITHOUT POLYCYSTIC LIVER DISEASE; POLYCYSTIC KIDNEY DISEASE, ADULT, TYPE I. Identifiers: MedGen C3149841, MONDO:0008263, OMIM 173900.
Polycystic kidney disease. Also called: Polycystic kidney dysplasia; Kidney, Polycystic. Identifiers: MedGen C0022680, MeSH D007690, MONDO:0020642, HP:0000113.

Submissions (12):

PreventionGenetics, part of Exact Sciences
Classification: Pathogenic for PKD1-related condition. Last evaluated: 2026-07-23. Review status: criteria provided, single submitter. Criteria: ACMG Guidelines, 2015. Collection method: clinical testing. Allele origin: germline.
Comment: The PKD1 c.9240_9241delAT variant is predicted to result in a frameshift and premature protein termination (p.Ala3082Cysfs*96). This variant has been reported to be pathogenic for autosomal dominant polycystic kidney disease (ADPKD) (see for example, Wilson et al. 2020. PubMed ID: 35372954; Xu et al. 2018. PubMed ID: 29529603). This variant has not been reported in a large population database (gnomAD), indicating this variant is rare. Frameshift variants in PKD1 are expected to be pathogenic. This variant is interpreted as pathogenic.

Women's Health and Genetics/Laboratory Corporation of America, LabCorp
Classification: Pathogenic for Polycystic kidney disease, adult type. Last evaluated: 2025-03-04. Review status: criteria provided, single submitter. Criteria: LabCorp Variant Classification Summary - May 2015. Collection method: clinical testing. Allele origin: germline.
Comment: Variant summary: PKD1 c.9240_9241delAT (p.Ala3082CysfsX96) results in a premature termination codon, predicted to cause a truncation of the encoded protein or absence of the protein due to nonsense mediated decay, which are commonly known mechanisms for disease. The variant was absent in 138612 control chromosomes. c.9240_9241delAT has been reported in the literature in individuals affected with Polycystic Kidney Disease 1 and has been shown to segregate with disease in at-least one family (example: Thongnoppakhun_2004, Groopman_2019, Wilson_2020, Al-Hamed_2022). These data indicate that the variant is likely to be associated with disease. To our knowledge, no experimental evidence demonstrating an impact on protein function has been reported. The following publications have been ascertained in the context of this evaluation (PMID: 36177613, 30586318, 15018634, 35372954). ClinVar contains an entry for this variant (Variation ID: 562246). Based on the evidence outlined above, the variant was classified as pathogenic.

Victorian Clinical Genetics Services, Murdoch Childrens Research Institute
Classification: Pathogenic for Polycystic kidney disease, adult type. Last evaluated: 2024-10-09. Review status: criteria provided, single submitter. Criteria: ACMG Guidelines, 2015. Collection method: clinical testing. Allele origin: germline. Inheritance: Autosomal dominant inheritance. Affected: yes.
Comment: Based on the classification scheme VCGS_Germline_v1.3.4, this variant is classified as Pathogenic. Following criteria are met: 0102 - Loss of function is a known mechanism of disease in this gene and is associated with polycystic kidney disease 1 (MIM#173900). (I) 0107 - This gene is associated with autosomal dominant disease. Polycystic kidney disease 1 (MIM#173900) is predominantly caused by monoallelic variants, with rare reports of biallelic variants causing disease (OMIM). (I) 0201 - Variant is predicted to cause nonsense-mediated decay (NMD) and loss of protein (premature termination codon is located at least 54 nucleotides upstream of the final exon-exon junction). (SP) 0251 - This variant is heterozygous. (I) 0301 - Variant is absent from gnomAD (both v2 and v3). (SP) 0701 - Other NMD-predicted variants comparable to the one identified in this case have very strong previous evidence for pathogenicity (DECIPHER). (SP) 0801 - This variant has strong previous evidence of pathogenicity in unrelated individuals. This variant has been reported as pathogenic in several individuals with ADPKD (ClinVar,, PMID: 36177613). (SP) 1208 - Inheritance information for this variant is not currently available in this individual. (I) Legend: (SP) - Supporting pathogenic, (I) - Information, (SB) - Supporting benign

Mayo Clinic Laboratories, Mayo Clinic
Classification: Pathogenic. Last evaluated: 2024-05-09. Review status: criteria provided, single submitter. Criteria: ACMG Guidelines, 2015. Collection method: clinical testing. Allele origin: germline. Observed: 2 variant alleles.
Comment: PP1_strong, PM2, PS4_moderate, PVS1

Fulgent Genetics
Classification: Pathogenic for Polycystic kidney disease, adult type. Last evaluated: 2024-03-22. Review status: criteria provided, single submitter. Criteria: ACMG Guidelines, 2015. Collection method: clinical testing. Allele origin: germline.

Genetic Services Laboratory, University of Chicago
Classification: Pathogenic. Last evaluated: 2023-12-26. Review status: criteria provided, single submitter. Criteria: ACMG Guidelines, 2015. Collection method: clinical testing. Allele origin: germline. Affected: yes.
Comment: DNA sequence analysis of the PKD1 gene demonstrated a two base pair deletion in exon 26, c.9240_9241del. This sequence change results in an amino acid frameshift and creates a premature stop codon 96 amino acids downstream of the change, p.Ala3082Cysfs*96. This sequence change is predicted to result in an abnormal transcript, which may be degraded, or may lead to the production of a truncated PKD1 protein with potentially abnormal function. The c.9240_9241del sequence change has not been described in population databases such as ExAC and gnomAD. This pathogenic sequence change has previously been described in individuals with PKD1-related disorders (PMID: 30586318, 31740684, 29529603). These collective evidences indicate that this sequence change is pathogenic, however functional studies have not been performed to prove this conclusively.

3billion
Classification: Pathogenic for Polycystic kidney disease, adult type. Last evaluated: 2023-11-30. Review status: criteria provided, single submitter. Criteria: ACMG Guidelines, 2015. Collection method: clinical testing. Allele origin: germline. Affected: yes.
Comment: The variant is not observed in the gnomAD v2.1.1 dataset. Predicted Consequence/Location: Frameshift: predicted to result in a loss or disruption of normal protein function through nonsense-mediated decay (NMD) or protein truncation. Multiple pathogenic variants are reported downstream of the variant. The variant has been reported at least twice as pathogenic with clinical assertions and evidence for the classification (ClinVar ID: VCV000562246 /PMID: 15018634). Therefore, this variant is classified as Pathogenic according to the recommendation of ACMG/AMP guideline.

GeneDx
Classification: Pathogenic. Last evaluated: 2022-08-03. Review status: criteria provided, single submitter. Criteria: GeneDx Variant Classification Process June 2021. Collection method: clinical testing. Allele origin: germline. Affected: yes.
Comment: Frameshift variant predicted to result in protein truncation or nonsense mediated decay in a gene for which loss-of-function is a known mechanism of disease; Not observed in large population cohorts (gnomAD); This variant is associated with the following publications: (PMID: 31740684, 29529603, 22508176, 22383692, 15018634, 25333066, 30586318, 21551026)

Athena Diagnostics
Classification: Pathogenic. Last evaluated: 2020-03-03. Review status: criteria provided, single submitter. Criteria: Athena Diagnostics Criteria. Collection method: clinical testing. Allele origin: unknown.
Comment: This variant is expected to result in the loss of a functional protein. This variant has not been reported in large, multi-ethnic general populations. This variant has been identified in at least one individual with clinical features associated with this gene.

Clinical Genetics Service, Universitary Hospital 12 de Octubre
Classification: Pathogenic for Polycystic kidney disease, adult type. Review status: criteria provided, single submitter. Criteria: ACMG Guidelines, 2015. Collection method: clinical testing. Allele origin: germline. Affected: yes.

Gharavi Laboratory, Columbia University
Classification: Pathogenic. Last evaluated: 2018-09-16. Review status: no assertion criteria provided. Criteria: ACMG Guidelines, 2015. Collection method: research. Allele origin: germline. Affected: yes. Not counted in ClinVar's aggregate classification.

Department of Pathology and Laboratory Medicine, Sinai Health System
Classification: Pathogenic for Polycystic Kidney disease. Review status: no assertion criteria provided. Collection method: clinical testing. Allele origin: unknown. Affected: yes. Study: The Canadian Open Genetics Repository (COGR). Not counted in ClinVar's aggregate classification.
Comment: The PKD1 p.Ala3082CysfsX96 variant was identified in 5 of 566 proband chromosomes (frequency: 0.009) from individuals or families with ADPKD (Rossetti 2012, Trujillano 2014). The variant was also identified in the ADPKD Mutation Database 6x as pathogenic and in PKD1-LOVD 3.0 with no stated classification. The variant was not identified in dbSNP, Clinvitae, ClinVar, GeneInsight COGR, MutDB, PKD1-LOVD nor was it identified in the 1000 Genomes Project, the NHLBI GO Exome Sequencing Project, the genome Aggregation Database (beta, October 19th 2016), and the Exome Aggregation Consortium database (August 8th 2016). The c.9240_9241del variant is predicted to cause a frameshift, which alters the protein amino acid sequence beginning at codon 3082 and leads to a premature stop codon 96 codons downstream. This alteration is then predicted to result in a truncated or absent protein and loss of function. Loss of function variants of the PKD1 gene are an established mechanism of disease in autosomal dominant polycystic kidney disease and is the type of variant expected to cause the disorder. In summary, based on the above information, this variant meets our laboratoryâ€šÃ„Ã´s criteria to be classified as pathogenic.

Literature cited by the submitters: PubMed 30586318 (cited by Women's Health and Genetics/Laboratory Corporation of America, LabCorp and Mayo Clinic Laboratories, Mayo Clinic); PubMed 35372954 (cited by Women's Health and Genetics/Laboratory Corporation of America, LabCorp and Mayo Clinic Laboratories, Mayo Clinic); PubMed 36177613 (cited by 3 submitters); PubMed 15018634 (cited by 4 submitters); PubMed 21551026 (cited by Mayo Clinic Laboratories, Mayo Clinic); PubMed 22383692 (cited by Mayo Clinic Laboratories, Mayo Clinic); PubMed 22508176 (cited by Mayo Clinic Laboratories, Mayo Clinic); PubMed 25333066 (cited by Mayo Clinic Laboratories, Mayo Clinic and Athena Diagnostics); PubMed 29529603 (cited by Mayo Clinic Laboratories, Mayo Clinic and Athena Diagnostics); PubMed 31740684 (cited by Mayo Clinic Laboratories, Mayo Clinic).